The following is an entry in ClinVar:

ClinVar aggregate classification (germline): Uncertain significance (1 of 4 stars; one submission).

Allele frequency attached by ClinVar (database versions not stated): gnomAD 0.00002; gnomAD exomes 0.00002; TOPMed 0.00002; ExAC 0.00005.
gnomAD v4.1: 33 of 1,613,726 alleles (0.002%); highest among the groups gnomAD compares: Middle Eastern, 0.016%; no homozygotes.

Submission:

Labcorp Genetics (formerly Invitae), Labcorp
Classification: Uncertain significance. Last evaluated: 2024-02-05. Review status: criteria provided, single submitter. Criteria: Invitae Variant Classification Sherloc (09022015). Collection method: clinical testing. Allele origin: germline.
Comment: This sequence change replaces aspartic acid, which is acidic and polar, with asparagine, which is neutral and polar, at codon 318 of the MYH14 protein (p.Asp318Asn). This variant is present in population databases (rs764524971, gnomAD 0.01%). This variant has not been reported in the literature in individuals affected with MYH14-related conditions. ClinVar contains an entry for this variant (Variation ID: 1985677). An algorithm developed to predict the effect of missense changes on protein structure and function (PolyPhen-2) suggests that this variant is likely to be tolerated. In summary, the available evidence is currently insufficient to determine the role of this variant in disease. Therefore, it has been classified as a Variant of Uncertain Significance.

NM_001145809.2(MYH14):c.976G>A (p.Asp326Asn)

Gene: MYH14 (myosin heavy chain 14; plus strand). Cytogenetic location: 19q13.33.
Variant type: single nucleotide variant.
Coding change: c.976G>A on transcript NM_001145809.2 (MANE Select); coding-DNA position 976, G replaced by A.
Protein change: p.Asp326Asn; replaces aspartic acid 326 with asparagine.
Molecular consequence: missense variant.
Genome position (GRCh38, 1-based): chr19:50,231,932, G>A. VCF-style: chr19-50231932-G-A. GRCh37 (hg19) VCF-style: chr19-50735189-G-A.
Other names: c.976G>A, p.Asp326Asn (NM_001077186.2); c.952G>A, p.Asp318Asn (NM_024729.4); short protein forms D318N, D326N.
Identifiers: ClinVar variation 1985677 (VCV001985677.4), dbSNP rs764524971, ClinGen allele CA9592469.